The following is an entry in ClinVar:

ClinVar aggregate classification (germline): Uncertain significance (1 of 4 stars; one submission).

Allele frequency attached by ClinVar (database versions not stated): gnomAD 0.00001; gnomAD exomes 0.00002 and 0.00010; TOPMed 0.00003; ExAC 0.00008.
gnomAD v4.1: 26 of 1,613,248 alleles (0.0016%); highest among the groups gnomAD compares: East Asian, 0.049%; no homozygotes.

Submission:

Biesecker Lab/Clinical Genomics Section, National Institutes of Health
Classification: Uncertain significance. Last evaluated: 2013-06-24. Review status: criteria provided, single submitter. Criteria: Ng et al. (Circ Cardiovasc Genet. 2013). Collection method: research. Allele origin: unknown. Observed: 1 variant allele. Study: ClinSeq.
Comment: The study set was not selected for affection status in relation to any cancer. Pathogenicity categories were based on literature curation. See Pubmed ID:23861362 for details.

Medical sequencing

NM_133379.5(TTN):c.16256G>A (p.Cys5419Tyr)

Gene: TTN (titin; minus strand). Cytogenetic location: 2q31.2.
Variant type: single nucleotide variant.
Coding change: c.16256G>A on transcript NM_133379.5; coding-DNA position 16256, G replaced by A.
Protein change: p.Cys5419Tyr; replaces cysteine 5419 with tyrosine.
Molecular consequence: missense variant. On other transcripts: intron variant (6).
Genome position (GRCh38, 1-based): chr2:178,746,144, C>T on the plus strand (G>A on the coding strand, the complement: TTN is on the minus strand). VCF-style: chr2-178746144-C-T. GRCh37 (hg19) VCF-style: chr2-179610871-C-T.
Other names: c.10223-4223G>A (NM_003319.4); c.10799-4223G>A (NM_133437.4); c.10598-4223G>A (NM_133432.3); c.10360+6980G>A (NM_133378.4); c.10361-4223G>A (NM_001256850.1); c.11312-4223G>A (NM_001267550.2); short protein forms C5419Y.
Identifiers: ClinVar variation 192042 (VCV000192042.10), dbSNP rs776179768, ClinGen allele CA238171.